The following is an entry in ClinVar:

ClinVar aggregate classification (germline): Uncertain significance (1 of 4 stars; one submission).

Conditions:
Bethlem myopathy 1A. Also called: Bethlem myopathy 1; MYOPATHY, BENIGN CONGENITAL, WITH CONTRACTURES; Bethlem Muscular Dystrophy. Identifiers: Orphanet 610, MedGen CN029274, MONDO:0024530, OMIM 158810.

gnomAD v4.1: 3 of 1,614,188 alleles (0.00019%); highest among the groups gnomAD compares: Non-Finnish European, 0.00025%; no homozygotes.

Submission:

Labcorp Genetics (formerly Invitae), Labcorp
Classification: Uncertain significance for Bethlem myopathy 1A. Last evaluated: 2022-06-09. Review status: criteria provided, single submitter. Criteria: Invitae Variant Classification Sherloc (09022015). Collection method: clinical testing. Allele origin: germline.
Comment: In summary, the available evidence is currently insufficient to determine the role of this variant in disease. Therefore, it has been classified as a Variant of Uncertain Significance. Advanced modeling of protein sequence and biophysical properties (such as structural, functional, and spatial information, amino acid conservation, physicochemical variation, residue mobility, and thermodynamic stability) performed at Invitae indicates that this missense variant is not expected to disrupt COL6A3 protein function. This variant has not been reported in the literature in individuals affected with COL6A3-related conditions. This variant is present in population databases (no rsID available, gnomAD 0.0009%). This sequence change replaces asparagine, which is neutral and polar, with lysine, which is basic and polar, at codon 649 of the COL6A3 protein (p.Asn649Lys).

NM_004369.4(COL6A3):c.1947C>A (p.Asn649Lys)

Gene: COL6A3 (collagen type VI alpha 3 chain; minus strand). Cytogenetic location: 2q37.3.
Variant type: single nucleotide variant.
Coding change: c.1947C>A on transcript NM_004369.4 (MANE Select); coding-DNA position 1947, C replaced by A.
Protein change: p.Asn649Lys; replaces asparagine 649 with lysine.
Molecular consequence: missense variant. On other transcripts: intron variant (1).
Genome position (GRCh38, 1-based): chr2:237,379,186, G>T on the plus strand (C>A on the coding strand, the complement: COL6A3 is on the minus strand). VCF-style: chr2-237379186-G-T. GRCh37 (hg19) VCF-style: chr2-238287829-G-T.
Other names: c.726C>A, p.Asn242Lys (NM_057164.5); c.1329C>A, p.Asn443Lys (NM_057165.5, NM_057167.4); c.676+1729C>A (NM_057166.5); short protein forms N242K, N443K, N649K.
Identifiers: ClinVar variation 1918046 (VCV001918046.5), dbSNP rs778681864, ClinGen allele CA351215187.
Genomic context (GRCh38, chr2:237,379,186, plus strand): 5'-AAGGCTGTTAACTAGGTTCATTACAAAGTCGCGCACATAAGGGAAATTGGTTTTTCCAAC[G>T]TTGGCTGATCCATCCAAAAGAAAGATGATATCCCTTTTGTTTGAGTGAACTGCAGTGAAG-3'
Protein context (NP_004360.2, residues 639-659): DIIFLLDGSA[Asn649Lys]VGKTNFPYVR